The following is an entry in ClinVar:

NM_000264.5(PTCH1):c.3393G>T (p.Val1131=)

Gene: PTCH1 (patched 1; minus strand). Cytogenetic location: 9q22.32.
Variant type: single nucleotide variant.
Coding change: c.3393G>T on transcript NM_000264.5 (MANE Select); coding-DNA position 3393, G replaced by T.
Protein change: p.Val1131=; no amino-acid change (valine 1131 retained).
Molecular consequence: synonymous variant. On other transcripts: non-coding transcript variant (1).
Genome position (GRCh38, 1-based): chr9:95,453,534, C>A on the plus strand (G>T on the coding strand, the complement: PTCH1 is on the minus strand). VCF-style: chr9-95453534-C-A. GRCh37 (hg19) VCF-style: chr9-98215816-C-A.
Other names: c.3195G>T, p.Val1065= (NM_001083602.3); c.3390G>T, p.Val1130= (NM_001083603.3); c.2940G>T, p.Val980= (NM_001083604.3, NM_001083605.3, NM_001083606.3 and 1 more transcripts); c.3237G>T, p.Val1079= (NM_001354918.2).
Identifiers: ClinVar variation 508750 (VCV000508750.2), dbSNP rs1267662604, ClinGen allele CA466107754.

ClinVar aggregate classification (germline): Likely benign. Review status: criteria provided, multiple submitters, no conflicts (2 of 4 stars). 2 submissions from 2 submitters: Likely benign (2). Last evaluated 2023-12-31.

Conditions:
Hereditary cancer-predisposing syndrome. Also called: Hereditary neoplastic syndrome; Hereditary Cancer Syndrome; Neoplastic Syndromes, Hereditary; Tumor predisposition. Identifiers: Orphanet 140162, MedGen C0027672, MeSH D009386, MONDO:0015356.

Allele frequency attached by ClinVar (database versions not stated): gnomAD exomes below 0.00001.
gnomAD v4.1: 1 of 1,614,164 alleles (0.000062%); highest among the groups gnomAD compares: East Asian, 0.0022%; no homozygotes.

Submissions (2):

Ambry Genetics
Classification: Likely benign for Hereditary cancer-predisposing syndrome. Last evaluated: 2023-12-31. Review status: criteria provided, single submitter. Criteria: Ambry Variant Classification Scheme 2023. Collection method: clinical testing. Allele origin: germline.

GeneDx
Classification: Likely benign. Last evaluated: 2017-04-12. Review status: criteria provided, single submitter. Criteria: GeneDx Variant Classification (06012015). Collection method: clinical testing. Allele origin: germline. Affected: yes.
Comment: This variant is considered likely benign or benign based on one or more of the following criteria: it is a conservative change, it occurs at a poorly conserved position in the protein, it is predicted to be benign by multiple in silico algorithms, and/or has population frequency not consistent with disease.